The following is an entry in ClinVar:

ClinVar aggregate classification (germline): Uncertain significance (1 of 4 stars; one submission).

Conditions:
Hypertrophic cardiomyopathy 14. Identifiers: MedGen C2750467, MONDO:0013197, OMIM 613251.

gnomAD v4.1: 1 of 1,614,162 alleles (0.000062%); highest among the groups gnomAD compares: Non-Finnish European, 0.000085%; no homozygotes.

Submission:

Labcorp Genetics (formerly Invitae), Labcorp
Classification: Uncertain significance for Hypertrophic cardiomyopathy 14. Last evaluated: 2024-08-01. Review status: criteria provided, single submitter. Criteria: Invitae Variant Classification Sherloc (09022015). Collection method: clinical testing. Allele origin: germline.
Comment: This sequence change replaces alanine, which is neutral and non-polar, with valine, which is neutral and non-polar, at codon 429 of the MYH6 protein (p.Ala429Val). This variant is not present in population databases (gnomAD no frequency). This variant has not been reported in the literature in individuals affected with MYH6-related conditions. Advanced modeling of protein sequence and biophysical properties (such as structural, functional, and spatial information, amino acid conservation, physicochemical variation, residue mobility, and thermodynamic stability) performed at Invitae indicates that this missense variant is expected to disrupt MYH6 protein function with a positive predictive value of 80%. In summary, the available evidence is currently insufficient to determine the role of this variant in disease. Therefore, it has been classified as a Variant of Uncertain Significance.

NM_002471.4(MYH6):c.1286C>T (p.Ala429Val)

Gene: MYH6 (myosin heavy chain 6; minus strand). Cytogenetic location: 14q11.2.
Variant type: single nucleotide variant.
Coding change: c.1286C>T on transcript NM_002471.4 (MANE Select); coding-DNA position 1286, C replaced by T.
Protein change: p.Ala429Val; replaces alanine 429 with valine.
Molecular consequence: missense variant.
Genome position (GRCh38, 1-based): chr14:23,400,833, G>A on the plus strand (C>T on the coding strand, the complement: MYH6 is on the minus strand). VCF-style: chr14-23400833-G-A. GRCh37 (hg19) VCF-style: chr14-23870042-G-A.
Other names: short protein forms A429V.
Identifiers: ClinVar variation 3706850 (VCV003706850.2).